The following continues an entry in ClinVar:

NM_000492.4(CFTR):c.1367T>C (p.Val456Ala)

ClinVar aggregate classification (germline): Pathogenic. Pathogenic (1).

Submissions 11 to 24 of 33:

Fulgent Genetics
Classification: Pathogenic for Hereditary pancreatitis; Bronchiectasis with or without elevated sweat chloride 1; Cystic fibrosis; Congenital bilateral aplasia of vas deferens from CFTR mutation. Last evaluated: 2024-03-01. Review status: criteria provided, single submitter. Criteria: ACMG Guidelines, 2015. Collection method: clinical testing. Allele origin: germline. Not counted in ClinVar's aggregate classification.

Revvity Omics, Revvity
Classification: Pathogenic. Last evaluated: 2023-12-13. Review status: criteria provided, single submitter. Criteria: ACMG Guidelines, 2015. Collection method: clinical testing. Allele origin: germline. Not counted in ClinVar's aggregate classification.

Mayo Clinic Laboratories, Mayo Clinic
Classification: Likely pathogenic. Last evaluated: 2023-11-29. Review status: criteria provided, single submitter. Criteria: ACMG Guidelines, 2015. Collection method: clinical testing. Allele origin: germline. Not counted in ClinVar's aggregate classification.
Comment: PP3, PP5, PM2_moderate, PS3

Department of Pathology and Laboratory Medicine, Sinai Health System
Classification: Pathogenic for cystic fibrosis. Last evaluated: 2023-02-23. Review status: criteria provided, single submitter. Criteria: ACMG Guidelines, 2015. Collection method: research. Allele origin: germline. Not counted in ClinVar's aggregate classification.

Quest Diagnostics Nichols Institute San Juan Capistrano
Classification: Pathogenic. Last evaluated: 2022-12-22. Review status: criteria provided, single submitter. Criteria: Quest Diagnostics criteria. Collection method: clinical testing. Allele origin: unknown. Not counted in ClinVar's aggregate classification.
Comment: The frequency of this variant in the general population, 0.0016 (48/30028 chromosomes), is uninformative in assessment of its pathogenicity. In the published literature, the variant has been reported in individuals with Cystic Fibrosis (CF) in a heterozygous state with another pathogenic variant (PMID: 12357328 (2002), 17035430 (2006), 22395041 (2012), 30348612 (2019)), and in a homozygous state (PMID: 22395041 (2012), 31126253 (2019)). It has also been reported in an asymptomatic individual in a homozygous state (PMID: 12544470 (2003)). Additionally, the variant was also reported in an individual with congenital bilateral absence of the vas deferens (CBAVD) (PMID: 14998948 (2004)). A functional study reported this variant resulted in only 4% of protein function compared to the wild type (PMID: 29805046 (2018)). Analysis of this variant using bioinformatics tools for the prediction of the effect of amino acid changes on protein structure and function yielded predictions that this variant is damaging. Based on the available information, this variant is classified as pathogenic.

Laboratory for Molecular Medicine, Mass General Brigham Personalized Medicine
Classification: Pathogenic for Cystic fibrosis. Last evaluated: 2022-11-03. Review status: criteria provided, single submitter. Criteria: ACMG Guidelines, 2015. Collection method: clinical testing. Allele origin: germline. Not counted in ClinVar's aggregate classification.
Comment: The c.1367T>C (p.Val456Ala) variant in CFTR has been reported in the xompound heterozygous state with the CFTR p.Arg709X variant in at least 19 South Asian individuals with cystic fibrosis and in the homozygous state in 2 South Asian individuals with cystic fibrosis (McCormick 2002 PMID: 12357328, Uppaluri 2012 PMID: 22395041, Indika 2019 PMID: 31126253). Both homozygous patients had mild to moderate phenotypes resulting in delayed diagnosis. It has also been identified in 0.25% (12/4804) of South Asian chromosomes by gnomAD; however, this frequency is low enough to be consistent with a recessive allele frequency in the context of a prevalent disease. This variant has also been reported in ClinVar (Variation ID 35821). Computational prediction tools and conservation analyses do not provide strong support for or against an impact to the protein; however, in vivo functional studies in humans provide evidence that this variant impacts protein function (Masica 2015 PMID: 25489051, Raraigh 2018 PMID: 29805046). In summary, this variant meets criteria to be classified as pathogenic for autosomal recessive cystic fibrosis. ACMG/AMP Criteria applied: PM3_VeryStrong, PM2_Supporting, PS3_Supporting.

3billion
Classification: Pathogenic for Cystic fibrosis. Last evaluated: 2022-03-22. Review status: criteria provided, single submitter. Criteria: ACMG Guidelines, 2015. Collection method: clinical testing. Allele origin: germline. Affected: yes. Observed: 1 heterozygote. Not counted in ClinVar's aggregate classification.
Comment: Same or different nucleotide change resulting in same amino acid change has been previously reported as pathogenic/likely pathogenic with strong evidence (ClinVar ID: VCV000035821, PMID:12357328). Functional studies provide strong evidence of the variant having a damaging effect on the gene or gene product (PMID: 29805046). Different pathogenic/likely pathogenic amino acid change has been reported with supporting evidence at the same codon (PMID:7505767). In silico tool predictions suggest damaging effect of the variant on gene or gene product (REVEL: 0.916>=0.6, 3CNET: 0.905>=0.75). The variant is observed at an extremely low frequency in the gnomAD v2.1.1 dataset (total allele frequency: 0.0002079). The variant has been reported to be in trans with a pathogenic variant as either compound heterozygous or homozygous in at least 2 similarly affected unrelated individuals(PMID: 31126253, 30348612, 31005549, 22395041). Therefore, this variant is classified as pathogenic according to the recommendation of ACMG/AMP guideline.

Genetics and Genomic Medicine Centre, NeuroGen Healthcare, NeuroGen Healthcare
Classification: Pathogenic for Cystic fibrosis. Last evaluated: 2021-03-22. Review status: criteria provided, single submitter. Criteria: Submitter's publication. Collection method: clinical testing. Allele origin: unknown. Affected: no. Not counted in ClinVar's aggregate classification.

Johns Hopkins Genomics, Johns Hopkins University
Classification: Pathogenic for Cystic fibrosis. Last evaluated: 2021-01-20. Review status: criteria provided, single submitter. Criteria: ACMG Guidelines, 2015. Collection method: clinical testing. Allele origin: germline. Not counted in ClinVar's aggregate classification.

CENTOGENE GmbH and LLC - Guiding Precision Medicine
Classification: Pathogenic for Cystic fibrosis. Last evaluated: 2020-04-30. Review status: criteria provided, single submitter. Criteria: ACMG Guidelines, 2015. Collection method: clinical testing. Allele origin: germline. Affected: no. Not counted in ClinVar's aggregate classification.

Women's Health and Genetics/Laboratory Corporation of America, LabCorp
Classification: Pathogenic for Cystic fibrosis. Last evaluated: 2019-11-01. Review status: criteria provided, single submitter. Criteria: LabCorp Variant Classification Summary - May 2015. Collection method: clinical testing. Allele origin: germline. Not counted in ClinVar's aggregate classification.
Comment: Variant summary: CFTR c.1367T>C (p.Val456Ala) results in a non-conservative amino acid change located in the ABC transporter-like and AAA+ ATPase domains of the encoded protein sequence. Five of five in-silico tools predict a damaging effect of the variant on protein function. The variant allele was found at a frequency of 0.0002 in 244518 control chromosomes (genomAD). This frequency is not higher than expected for a pathogenic variant in CFTR causing Cystic Fibrosis (0.0002 vs 0.013), allowing no conclusion about variant significance. c.1367T>C has been reported in the literature in multiple individuals (in compound heterozygous or homozygous states) affected with Cystic Fibrosis (Danziger_2004, McCormik_2002, Ziedalski_2006, Raraigh_2018, Indika_2019). These data indicate that the variant is very likely to be associated with disease. At least one publication reports experimental evidence evaluating an impact on protein function, showing <10% of wild-type chloride conductance (Raraigh_2018). Six ClinVar submitters (evaluation after 2014) classified the variant as likely pathogenic (3x) and pathogenic (3x), including one expert panel (CFTR2) classified as pathogenic. Based on the evidence outlined above, the variant was classified as pathogenic.

Baylor Genetics
Classification: Pathogenic for Congenital bilateral aplasia of vas deferens from CFTR mutation. Last evaluated: 2019-06-26. Review status: criteria provided, single submitter. Criteria: ACMG Guidelines, 2015. Collection method: clinical testing. Allele origin: unknown. Affected: yes. Not counted in ClinVar's aggregate classification.
Comment: This variant was determined to be pathogenic according to ACMG Guidelines, 2015 [PMID:25741868].

Clinical Genetics and Genomics, Karolinska University Hospital
Classification: Likely pathogenic. Last evaluated: 2019-05-10. Review status: criteria provided, single submitter. Criteria: ACMG Guidelines, 2015. Collection method: clinical testing. Allele origin: germline. Affected: yes. Observed: 1 variant allele. Not counted in ClinVar's aggregate classification.

ARUP Laboratories, Molecular Genetics and Genomics, ARUP Laboratories
Classification: Likely pathogenic. Last evaluated: 2019-03-15. Review status: criteria provided, single submitter. Criteria: ARUP Molecular Germline Variant Investigation Process. Collection method: clinical testing. Allele origin: germline. Not counted in ClinVar's aggregate classification.
Comment: The CFTR c.1367T>C; p.Val456Ala variant (rs193922500) is reported as a CF-causing variant in the CFTR2 database, and CF patients with this variant are likely to be pancreatic sufficient (see CFTR2 database link). This variant is reported in the literature in both the homozygous and compound heterozygous states in CF patients (McCormick 2002, Uppaluri 2012); however, one report of an asymptomatic patient who is homozygous for this variant, suggests that it may be a mild CF variant (Strom 2003). Functional analysis of the variant protein shows approximately 4% of wildtype protein activity (Raraigh 2018). This variant is reported as likely pathogenic in ClinVar (Variation ID: 35821). It is found in the South Asian general population with an allele frequency of 0.16% (48/30028 alleles) in the Genome Aggregation Database. The valine at codon 456 is moderately conserved, and computational analyses (SIFT, PolyPhen-2) predict that this variant may be deleterious. Based on available information, this variant is considered to be likely pathogenic. REFERENCES CFTR2 database: McCormick J et al. Demographics of the UK cystic fibrosis population: implications for neonatal screening. Eur J Hum Genet. 2002 Oct;10(10):583-90. Raraigh KS et al. Functional Assays Are Essential for Interpretation of Missense Variants Associated with Variable Expressivity. Am J Hum Genet. 2018 Jun 7;102(6):1062-1077. Strom CM et al. Extensive sequencing of the cystic fibrosis transmembrane regulator gene: assay validation and unexpected benefits of developing a comprehensive test. Genet Med. 2003 Jan-Feb;5(1):9-14. Uppaluri L et al. Clinical evidence that V456A is a Cystic Fibrosis causing mutation in South Asians. J Cyst Fibros. 2012 Jul;11(4):312-5.